The following is an entry in ClinVar:

NM_001270508.2(TNFAIP3):c.2076A>G (p.Thr692=)

Gene: TNFAIP3 (TNF alpha induced protein 3; plus strand). Cytogenetic location: 6q23.3.
Variant type: single nucleotide variant.
Coding change: c.2076A>G on transcript NM_001270508.2 (MANE Select); coding-DNA position 2076, A replaced by G.
Protein change: p.Thr692=; no amino-acid change (threonine 692 retained).
Molecular consequence: synonymous variant.
Genome position (GRCh38, 1-based): chr6:137,880,240, A>G. VCF-style: chr6-137880240-A-G. GRCh37 (hg19) VCF-style: chr6-138201377-A-G.
Other names: c.2076A>G, p.Thr692= (NM_001270507.2, NM_006290.4).
Identifiers: ClinVar variation 3030450 (VCV003030450.2), dbSNP rs2482766723, ClinGen allele CA452242877.
Genomic context (GRCh38, chr6:137,880,240, plus strand): 5'-ATACTGCCAGAAGTGTTTCATTGAAGCTCAGAATCAGAGATTTCATGAGGCCAAAAGGAC[A>G]GAAGAGCAACTGGTGAGACACTTGGAGGAGCTTTCCCTCCCTCCCGTGTGTTCGATGCTT-3'
Protein context (NP_001257437.1, residues 682-702): QNQRFHEAKR[Thr692=]EEQLRSSQRR

ClinVar aggregate classification (germline): Likely benign (0 of 4 stars; one submission).

Conditions:
TNFAIP3-related disorder. Also called: TNFAIP3-related condition.

Allele frequency attached by ClinVar (database versions not stated): gnomAD exomes below 0.00001.
gnomAD v4.1: 1 of 1,614,214 alleles (0.000062%); highest among the groups gnomAD compares: Non-Finnish European, 0.000085%; no homozygotes.

Submission:

PreventionGenetics, part of Exact Sciences
Classification: Likely benign for TNFAIP3-related condition. Last evaluated: 2021-02-09. Review status: no assertion criteria provided. Collection method: clinical testing. Allele origin: germline.
Comment: This variant is classified as likely benign based on ACMG/AMP sequence variant interpretation guidelines (Richards et al. 2015 PMID: 25741868, with internal and published modifications).